The following is an entry in ClinVar:

ClinVar aggregate classification (germline): Uncertain significance (1 of 4 stars; one submission).

Conditions:
Hereditary cancer-predisposing syndrome. Also called: Tumor predisposition; Neoplastic Syndromes, Hereditary; Hereditary neoplastic syndrome; Hereditary Cancer Syndrome. Identifiers: Orphanet 140162, MedGen C0027672, MeSH D009386, MONDO:0015356.

Submission:

Ambry Genetics
Classification: Uncertain significance for Hereditary cancer-predisposing syndrome. Last evaluated: 2024-09-06. Review status: criteria provided, single submitter. Criteria: Ambry Variant Classification Scheme 2023. Collection method: clinical testing. Allele origin: germline.
Comment: The p.D1322E variant (also known as c.3966C>G), located in coding exon 28 of the SMARCA4 gene, results from a C to G substitution at nucleotide position 3966. The aspartic acid at codon 1322 is replaced by glutamic acid, an amino acid with highly similar properties. This amino acid position is conserved. In addition, the in silico prediction for this alteration is inconclusive. Based on the available evidence, the clinical significance of this variant remains unclear.

NM_003072.5(SMARCA4):c.3966C>G (p.Asp1322Glu)

Gene: SMARCA4 (SWI/SNF related BAF chromatin remodeling complex subunit ATPase 4; plus strand). Cytogenetic location: 19p13.2.
Variant type: single nucleotide variant.
Coding change: c.3966C>G on transcript NM_003072.5 (MANE Select); coding-DNA position 3966, C replaced by G.
Protein change: p.Asp1322Glu; replaces aspartic acid 1322 with glutamic acid.
Molecular consequence: missense variant. On other transcripts: non-coding transcript variant (1).
Genome position (GRCh38, 1-based): chr19:11,034,928, C>G. VCF-style: chr19-11034928-C-G. GRCh37 (hg19) VCF-style: chr19-11145604-C-G.
Other names: c.3966C>G, p.Asp1322Glu (NM_001128844.3, NM_001128849.3, NM_001387283.1); c.3867C>G, p.Asp1289Glu (NM_001128845.2, NM_001128846.2, NM_001128847.4 and 3 more transcripts); short protein forms D1289E, D1322E.
Identifiers: ClinVar variation 3445998 (VCV003445998.1).